The following is an entry in ClinVar:

ClinVar aggregate classification (germline): Conflicting classifications of pathogenicity. Review status: criteria provided, conflicting classifications (1 of 4 stars). 3 submissions from 3 submitters: Uncertain significance (2); Likely benign (1). Last evaluated 2023-05-31.

Conditions:
Hereditary cancer-predisposing syndrome. Also called: Hereditary neoplastic syndrome; Neoplastic Syndromes, Hereditary; Tumor predisposition; Hereditary Cancer Syndrome. Identifiers: Orphanet 140162, MedGen C0027672, MeSH D009386, MONDO:0015356.
Hereditary breast ovarian cancer syndrome. Also called: Hereditary breast and ovarian cancer syndrome (HBOC); Breast and ovarian cancer; Hereditary breast and/or ovarian cancer syndrome; BRCA1- and BRCA2-Associated Hereditary Breast and Ovarian Cancer; Hereditary breast and ovarian cancer syndrome; Hereditary breast and ovarian cancer. Identifiers: Orphanet 145, MedGen C0677776, MeSH D061325, MONDO:0003582. Disease mechanism: loss of function.

Allele frequency attached by ClinVar (database versions not stated): gnomAD exomes below 0.00001.

Submissions (3):

Ambry Genetics
Classification: Uncertain significance for Hereditary cancer-predisposing syndrome. Last evaluated: 2023-05-31. Review status: criteria provided, single submitter. Criteria: Ambry Variant Classification Scheme 2023. Collection method: clinical testing. Allele origin: germline.
Comment: The p.I1244V variant (also known as c.3730A>G), located in coding exon 10 of the BRCA2 gene, results from an A to G substitution at nucleotide position 3730. The isoleucine at codon 1244 is replaced by valine, an amino acid with highly similar properties. This amino acid position is well conserved in available vertebrate species. In addition, the in silico prediction for this alteration is inconclusive. Since supporting evidence is limited at this time, the clinical significance of this alteration remains unclear.

University of Washington Department of Laboratory Medicine, University of Washington
Classification: Likely benign for Hereditary cancer-predisposing syndrome. Last evaluated: 2023-03-23. Review status: criteria provided, single submitter. Criteria: Dines et al. (Genet Med. 2020). Collection method: curation. Allele origin: germline.
Comment: Missense variant in a coldspot region where missense variants are very unlikely to be pathogenic (PMID:31911673).

BRCA2 exon 11 coldspot. Reclassification based on statistical prior probability.

Labcorp Genetics (formerly Invitae), Labcorp
Classification: Uncertain significance for Hereditary breast ovarian cancer syndrome. Last evaluated: 2022-04-22. Review status: criteria provided, single submitter. Criteria: Invitae Variant Classification Sherloc (09022015). Collection method: clinical testing. Allele origin: germline.
Comment: This sequence change replaces isoleucine, which is neutral and non-polar, with valine, which is neutral and non-polar, at codon 1244 of the BRCA2 protein (p.Ile1244Val). This variant has not been reported in the literature in individuals affected with BRCA2-related conditions. This variant is not present in population databases (gnomAD no frequency). ClinVar contains an entry for this variant (Variation ID: 185331). In summary, the available evidence is currently insufficient to determine the role of this variant in disease. Therefore, it has been classified as a Variant of Uncertain Significance. Advanced modeling of protein sequence and biophysical properties (such as structural, functional, and spatial information, amino acid conservation, physicochemical variation, residue mobility, and thermodynamic stability) performed at Invitae indicates that this missense variant is not expected to disrupt BRCA2 protein function.

NM_000059.4(BRCA2):c.3730A>G (p.Ile1244Val)

Gene: BRCA2 (BRCA2 DNA repair associated; plus strand). Cytogenetic location: 13q13.1.
Variant type: single nucleotide variant.
Coding change: c.3730A>G on transcript NM_000059.4 (MANE Select); coding-DNA position 3730, A replaced by G.
Protein change: p.Ile1244Val; replaces isoleucine 1244 with valine.
Molecular consequence: missense variant.
Genome position (GRCh38, 1-based): chr13:32,338,085, A>G. VCF-style: chr13-32338085-A-G. GRCh37 (hg19) VCF-style: chr13-32912222-A-G.
Other names: short protein forms I1244V.
Identifiers: ClinVar variation 185331 (VCV000185331.16), dbSNP rs786202091, ClinGen allele CA018673.